The following is an entry in ClinVar:

ClinVar aggregate classification (germline): Uncertain significance (1 of 4 stars; one submission).

Conditions:
Developmental and epileptic encephalopathy, 65. Also called: EPILEPTIC ENCEPHALOPATHY, EARLY INFANTILE, 65. Identifiers: MedGen C4693925, MONDO:0033374, OMIM 618008.

Allele frequency attached by ClinVar (database versions not stated): TOPMed below 0.00001.

Submission:

Baylor Genetics
Classification: Uncertain significance for Developmental and epileptic encephalopathy, 65. Last evaluated: 2020-01-16. Review status: criteria provided, single submitter. Criteria: ACMG Guidelines, 2015. Collection method: clinical testing. Allele origin: unknown. Affected: yes.
Comment: This variant was determined to be of uncertain significance according to ACMG Guidelines, 2015 [PMID:25741868].

NM_001037333.3(CYFIP2):c.1540C>T (p.Arg514Ter)

Gene: CYFIP2 (cytoplasmic FMR1 interacting protein 2; plus strand). Cytogenetic location: 5q33.3.
Variant type: single nucleotide variant.
Coding change: c.1540C>T on transcript NM_001037333.3 (MANE Select); coding-DNA position 1540, C replaced by T.
Protein change: p.Arg514Ter; replaces arginine 514 with a stop codon.
Molecular consequence: nonsense.
Genome position (GRCh38, 1-based): chr5:157,320,671, C>T. VCF-style: chr5-157320671-C-T. GRCh37 (hg19) VCF-style: chr5-156747679-C-T.
Other names: c.1462C>T, p.Arg488Ter (NM_001291721.2); c.1540C>T, p.Arg514Ter (NM_001291722.2, NM_014376.4); short protein forms R514*, R488*.
Identifiers: ClinVar variation 1028474 (VCV001028474.1), dbSNP rs868243549, ClinGen allele CA130173886.
Genomic context (GRCh38, chr5:157,320,671, plus strand): 5'-CCCATGGTGAAACCTGGTCTAAGTCTTAGTTCTTCCTTCCCCAGCGTCCTACAGGCAATT[C>T]GAAAGACCATCTGTGACTGGGAGGGAGGGCGAGAGCCCCCTAATGACCCATGCTTGAGAG-3'